The following is an entry in ClinVar:

NM_020435.4(GJC2):c.331C>T (p.Arg111Cys)

Gene: GJC2 (gap junction protein gamma 2; plus strand). Cytogenetic location: 1q42.13.
Variant type: single nucleotide variant.
Coding change: c.331C>T on transcript NM_020435.4 (MANE Select); coding-DNA position 331, C replaced by T.
Protein change: p.Arg111Cys; replaces arginine 111 with cysteine.
Molecular consequence: missense variant.
Genome position (GRCh38, 1-based): chr1:228,158,089, C>T. VCF-style: chr1-228158089-C-T. GRCh37 (hg19) VCF-style: chr1-228345790-C-T.
Other names: short protein forms R111C.
Identifiers: ClinVar variation 646345 (VCV000646345.8), dbSNP rs914561394, ClinGen allele CA38727565.

ClinVar aggregate classification (germline): Uncertain significance (1 of 4 stars; one submission).

Conditions:
Spastic paraplegia. Identifiers: MedGen C0037772, HP:0001258.

Allele frequency attached by ClinVar (database versions not stated): gnomAD 0.00001 and 0.00002; gnomAD exomes 0.00002; TOPMed 0.00003.

Submission:

Labcorp Genetics (formerly Invitae), Labcorp
Classification: Uncertain significance for Spastic paraplegia. Last evaluated: 2026-01-12. Review status: criteria provided, single submitter. Criteria: Invitae Variant Classification Sherloc (09022015). Collection method: clinical testing. Allele origin: germline.
Comment: This sequence change replaces arginine, which is basic and polar, with cysteine, which is neutral and slightly polar, at codon 111 of the GJC2 protein (p.Arg111Cys). This variant is present in population databases (no rsID available, gnomAD 0.003%). This variant has not been reported in the literature in individuals affected with GJC2-related conditions. ClinVar contains an entry for this variant (Variation ID: 646345). Invitae Evidence Modeling of protein sequence and biophysical properties (such as structural, functional, and spatial information, amino acid conservation, physicochemical variation, residue mobility, and thermodynamic stability) has been performed for this missense variant. However, the output from this modeling did not meet the statistical confidence thresholds required to predict the impact of this variant on GJC2 protein function. In summary, the available evidence is currently insufficient to determine the role of this variant in disease. Therefore, it has been classified as a Variant of Uncertain Significance.